The following is an entry in ClinVar:

NM_000463.3(UGT1A1):c.1007G>A (p.Arg336Gln)

Genes: UGT1A1 (UDP glucuronosyltransferase family 1 member A1; plus strand), UGT1A10 (UDP glucuronosyltransferase family 1 member A10; plus strand), UGT1A3 (UDP glucuronosyltransferase family 1 member A3; plus strand), UGT1A4 (UDP glucuronosyltransferase family 1 member A4; plus strand), UGT1A5 (UDP glucuronosyltransferase family 1 member A5; plus strand) and 5 more. Cytogenetic location: 2q37.1.
Variant type: single nucleotide variant.
Coding change: c.1007G>A on transcript NM_000463.3 (MANE Select); coding-DNA position 1007, G replaced by A.
Protein change: p.Arg336Gln; replaces arginine 336 with glutamine.
Molecular consequence: missense variant.
Genome position (GRCh38, 1-based): chr2:233,767,859, G>A. VCF-style: chr2-233767859-G-A. GRCh37 (hg19) VCF-style: chr2-234676505-G-A.
Other names: c.1010G>A, p.Arg337Gln (NM_019078.2, NM_007120.3, NM_019093.4); c.998G>A, p.Arg333Gln (NM_021027.3, NM_019075.4, NM_019076.5 and 1 more transcripts); c.1004G>A, p.Arg335Gln (NM_001072.4); c.203G>A, p.Arg68Gln (NM_205862.3); short protein forms R333Q, R335Q, R68Q, R336Q, R337Q.
Identifiers: ClinVar variation 4747148 (VCV004747148.3).

ClinVar aggregate classification (germline): Pathogenic/Likely pathogenic. Review status: criteria provided, multiple submitters, no conflicts (2 of 4 stars). 3 submissions from 3 submitters: Pathogenic (1); Likely pathogenic (2). Last evaluated 2025-09-03.

Conditions:
Crigler-Najjar syndrome type 1. Also called: HYPERBILIRUBINEMIA, CRIGLER-NAJJAR TYPE I. Identifiers: Orphanet 79234, MedGen C0010324, MONDO:0021020, OMIM 218800.
Lucey-Driscoll syndrome (HBLRTFN). Also called: Transient familial neonatal hyperbilirubinemia. Identifiers: Orphanet 2312, MedGen C0270210, MONDO:0009383, OMIM 237900.
Gilbert syndrome. Also called: Gilbert's syndrome; HYPERBILIRUBINEMIA, GILBERT TYPE; HYPERBILIRUBINEMIA I; HYPERBILIRUBINEMIA, ARIAS TYPE; Gilbert Disease. Identifiers: MedGen C0017551, MONDO:0007745, OMIM 143500.
Crigler-Najjar syndrome, type II. Also called: HYPERBILIRUBINEMIA, CRIGLER-NAJJAR TYPE II; Crigler Najjar syndrome, type 2; Mutation in the UDP-glucuronosyl-transferase gene. Identifiers: Orphanet 205, Orphanet 79235, MedGen C2931132, MONDO:0011725, OMIM 606785.
BILIRUBIN, SERUM LEVEL OF, QUANTITATIVE TRAIT LOCUS 1 (BILIQTL1). Identifiers: MedGen C1866173, OMIM 601816.

gnomAD v4.1: 15 of 1,613,938 alleles (0.00093%); highest among the groups gnomAD compares: African/African-American, 0.0053%; no homozygotes.

Submissions (3):

3billion
Classification: Likely pathogenic for Crigler-Najjar syndrome type 1. Last evaluated: 2025-09-03. Review status: criteria provided, single submitter. Criteria: ACMG Guidelines, 2015. Collection method: clinical testing. Allele origin: germline. Affected: yes.
Comment: The variant is observed at an extremely low frequency in the gnomAD v4.1.0 dataset (total allele frequency: <0.001%). Predicted Consequence/Location: Missense variant In silico tool predictions suggest damaging effect of the variant on gene or gene product [REVEL: 0.61 (>=0.6, sensitivity 0.68 and specificity 0.92); 3Cnet: 0.99 (> 0.75, sensitivity 0.96 and precision 0.92)]. The same nucleotide change resulting in the same amino acid change has been previously reported to be associated with UGT1A1-related disorder (PMID: 15712364).Different missense changes at the same codon (p.Arg336Leu, p.Arg336Trp) have been reported as pathogenic/likely pathogenic with strong evidence (ClinVar ID: VCV000437450, VCV002231117 /PMID: 15712364, 9639672). Therefore, this variant is classified as Likely pathogenic according to the recommendation of ACMG/AMP guideline.

Labcorp Genetics (formerly Invitae), Labcorp
Classification: Pathogenic. Last evaluated: 2025-08-03. Review status: criteria provided, single submitter. Criteria: Invitae Variant Classification Sherloc (09022015). Collection method: clinical testing. Allele origin: germline.
Comment: This sequence change replaces arginine, which is basic and polar, with glutamine, which is neutral and polar, at codon 336 of the UGT1A1 protein (p.Arg336Gln). This variant is present in population databases (rs750453538, gnomAD 0.004%). This missense change has been observed in individual(s) with Crigler-Najjar syndrome type I (PMID: 15712364). In at least one individual the data is consistent with being in trans (on the opposite chromosome) from a pathogenic variant. Invitae Evidence Modeling of protein sequence and biophysical properties (such as structural, functional, and spatial information, amino acid conservation, physicochemical variation, residue mobility, and thermodynamic stability) indicates that this missense variant is not expected to disrupt UGT1A1 protein function with a negative predictive value of 80%. This variant disrupts the p.Arg336 amino acid residue in UGT1A1. Other variant(s) that disrupt this residue have been determined to be pathogenic (PMID: 9639672, 15712364, 19830808). This suggests that this residue is clinically significant, and that variants that disrupt this residue are likely to be disease-causing. For these reasons, this variant has been classified as Pathogenic.

Juno Genomics, Hangzhou Juno Genomics, Inc
Classification: Likely pathogenic for BILIRUBIN, SERUM LEVEL OF, QUANTITATIVE TRAIT LOCUS 1; Gilbert syndrome; Crigler-Najjar syndrome type 1; Crigler-Najjar syndrome, type II; Lucey-Driscoll syndrome. Review status: criteria provided, single submitter. Criteria: ACMG Guidelines, 2015. Collection method: clinical testing. Allele origin: germline. Affected: yes.
Comment: Absent from controls (or at extremely low frequency if recessive) in Genome Aggregation Database, Exome Sequencing Project, 1000 Genomes Project, or Exome Aggregation Consortium.;For recessive disorders, detected in trans with a pathogenic variant.;Patient's phenotype or family history is highly specific for a disease with a single genetic etiology.

Literature cited by the submitters: PubMed 15712364 (cited by 3billion and Labcorp Genetics (formerly Invitae), Labcorp); PubMed 9639672 (cited by Labcorp Genetics (formerly Invitae), Labcorp); PubMed 19830808 (cited by Labcorp Genetics (formerly Invitae), Labcorp).